The following is an entry in ClinVar:

NM_014363.6(SACS):c.10291G>C (p.Val3431Leu)

Gene: SACS (sacsin molecular chaperone; minus strand). Cytogenetic location: 13q12.12.
Variant type: single nucleotide variant.
Coding change: c.10291G>C on transcript NM_014363.6 (MANE Select); coding-DNA position 10291, G replaced by C.
Protein change: p.Val3431Leu; replaces valine 3431 with leucine.
Molecular consequence: missense variant.
Genome position (GRCh38, 1-based): chr13:23,333,585, C>G on the plus strand (G>C on the coding strand, the complement: SACS is on the minus strand). VCF-style: chr13-23333585-C-G. GRCh37 (hg19) VCF-style: chr13-23907724-C-G.
Other names: c.9850G>C, p.Val3284Leu (NM_001278055.2); short protein forms V3431L, V3284L.
Identifiers: ClinVar variation 696059 (VCV000696059.65), dbSNP rs144179865, ClinGen allele CA6910471.

ClinVar aggregate classification (germline): Conflicting classifications of pathogenicity. Review status: criteria provided, conflicting classifications (1 of 4 stars). 8 submissions from 8 submitters: Uncertain significance (3); Benign (1); Likely benign (2). 2 of the submissions do not count toward it. Last evaluated 2026-01-31.

Conditions:
SACS-related disorder. Also called: SACS-related condition.
Spastic paraplegia. Identifiers: MedGen C0037772, HP:0001258.
Charlevoix-Saguenay spastic ataxia (SACS). Also called: SPASTIC ATAXIA 6, AUTOSOMAL RECESSIVE; Spastic ataxia of Charlevoix-Saguenay; AUTOSOMAL RECESSIVE SPASTIC ATAXIA OF CHARLEVOIX-SAGUENAY. Identifiers: Orphanet 98, MedGen C1849140, MONDO:0010041, OMIM 270550.

Allele frequency attached by ClinVar (database versions not stated): TOPMed 0.00025; ESP Exome Variant Server 0.00031; 1000 Genomes Project 30x 0.00078; 1000 Genomes Project 0.00080.
gnomAD v4.1: 1,195 of 1,613,562 alleles (0.074%); highest among the groups gnomAD compares: South Asian, 0.88%; 9 homozygotes.

Submissions (8):

Labcorp Genetics (formerly Invitae), Labcorp
Classification: Benign for Spastic paraplegia. Last evaluated: 2026-01-31. Review status: criteria provided, single submitter. Criteria: Invitae Variant Classification Sherloc (09022015). Collection method: clinical testing. Allele origin: germline.

CeGaT Center for Human Genetics Tuebingen
Classification: Likely benign. Last evaluated: 2025-01-01. Review status: criteria provided, single submitter. Criteria: CeGaT Center For Human Genetics Tuebingen Variant Classification Criteria Version 2. Collection method: clinical testing. Allele origin: germline. Affected: yes. Observed: 2 variant alleles.
Comment: SACS: BS2

Blueprint Genetics
Classification: Likely benign. Last evaluated: 2024-11-22. Review status: criteria provided, single submitter. Criteria: ACMG Guidelines, 2015. Collection method: clinical testing. Allele origin: germline.

Genome-Nilou Lab
Classification: Uncertain significance for Charlevoix-Saguenay spastic ataxia. Last evaluated: 2021-09-05. Review status: criteria provided, single submitter. Criteria: ACMG Guidelines, 2015. Collection method: clinical testing. Allele origin: germline. Affected: no.

Pars Genome Lab
Classification: Uncertain significance for Charlevoix-Saguenay spastic ataxia. Last evaluated: 2021-05-18. Review status: criteria provided, single submitter. Criteria: ACMG Guidelines, 2015. Collection method: clinical testing. Allele origin: germline. Affected: no.

Illumina Laboratory Services, Illumina
Classification: Uncertain significance for Charlevoix-Saguenay spastic ataxia. Last evaluated: 2017-04-27. Review status: criteria provided, single submitter. Criteria: ICSL Variant Classification Criteria 13 December 2019. Collection method: clinical testing. Allele origin: germline.

Natera, Inc.
Classification: Likely benign for Charlevoix-Saguenay type spastic ataxia. Last evaluated: 2021-07-01. Review status: no assertion criteria provided. Collection method: clinical testing. Allele origin: germline. Not counted in ClinVar's aggregate classification.

PreventionGenetics, part of Exact Sciences
Classification: Benign for SACS-related condition. Last evaluated: 2019-09-30. Review status: no assertion criteria provided. Collection method: clinical testing. Allele origin: germline. Not counted in ClinVar's aggregate classification.
Comment: This variant is classified as benign based on ACMG/AMP sequence variant interpretation guidelines (Richards et al. 2015 PMID: 25741868, with internal and published modifications).